The following is an entry in ClinVar:

NM_001127217.3(SMAD9):c.614_623del (p.Ser205fs)

Gene: SMAD9 (SMAD family member 9; minus strand). Cytogenetic location: 13q13.3.
Variant type: Deletion.
Coding change: c.614_623del on transcript NM_001127217.3 (MANE Select); coding-DNA positions 614 to 623, 10 bases deleted (GCTACCCTCA; older notation c.614_623delGCTACCCTCA).
Protein change: p.Ser205fs; shifts the reading frame from serine 205.
Molecular consequence: frameshift variant.
Genome position (GRCh38, 1-based): chr13:36,872,705-36,872,714, TGAGGGTAGC deleted on the plus strand (GCTACCCTCA on the coding strand, the reverse complement: SMAD9 is on the minus strand); deleting any 10 consecutive bases within chr13:36,872,705-36,872,716 gives the same sequence; the c. name uses the placement nearest the transcript's 3' end. VCF-style (leftmost placement, unchanged base first): chr13-36872704-GTGAGGGTAGC-G. GRCh37 (hg19) VCF-style: chr13-37446841-GTGAGGGTAGC-G.
Other names: c.614_623del, p.Ser205fs (NM_001378621.1, NM_005905.6); short protein forms S205fs.
Identifiers: ClinVar variation 5018728 (VCV005018728.2).

ClinVar aggregate classification (germline): Likely pathogenic (1 of 4 stars; one submission).

Conditions:
Pulmonary hypertension, primary, 2. Identifiers: Orphanet 422, MedGen C3888002, MONDO:0014134, OMIM 615342.

Submission:

Juno Genomics, Hangzhou Juno Genomics, Inc
Classification: Likely pathogenic for Pulmonary hypertension, primary, 2. Review status: criteria provided, single submitter. Criteria: ACMG Guidelines, 2015. Collection method: clinical testing. Allele origin: germline.
Comment: Absent from controls (or at extremely low frequency if recessive) in Genome Aggregation Database.;Null variant in a gene where loss of function (LOF) is a known mechanism of disease.